The following is an entry in ClinVar:

NM_001197104.2(KMT2A):c.186C>G (p.Ala62=)

Gene: KMT2A (lysine methyltransferase 2A; plus strand). Cytogenetic location: 11q23.3.
Variant type: single nucleotide variant.
Coding change: c.186C>G on transcript NM_001197104.2 (MANE Select); coding-DNA position 186, C replaced by G.
Protein change: p.Ala62=; no amino-acid change (alanine 62 retained).
Molecular consequence: synonymous variant.
Genome position (GRCh38, 1-based): chr11:118,436,698, C>G. VCF-style: chr11-118436698-C-G. GRCh37 (hg19) VCF-style: chr11-118307413-C-G.
Other names: c.186C>G, p.Ala62= (NM_001412597.1, NM_005933.4).
Identifiers: ClinVar variation 3010388 (VCV003010388.4), dbSNP rs1218398290, ClinGen allele CA477356572.

ClinVar aggregate classification (germline): Likely benign. Review status: criteria provided, multiple submitters, no conflicts (2 of 4 stars). 2 submissions from 2 submitters: Likely benign (2). Last evaluated 2026-07-01.

Allele frequency attached by ClinVar (database versions not stated): TOPMed below 0.00001.

Submissions (2):

CeGaT Center for Human Genetics Tuebingen
Classification: Likely benign. Last evaluated: 2026-07-01. Review status: criteria provided, single submitter. Criteria: CeGaT Center For Human Genetics Tuebingen Variant Classification Criteria Version 2. Collection method: clinical testing. Allele origin: germline. Affected: yes. Observed: 1 variant allele.
Comment: KMT2A: BP4, BP7

Labcorp Genetics (formerly Invitae), Labcorp
Classification: Likely benign. Last evaluated: 2025-08-23. Review status: criteria provided, single submitter. Criteria: Invitae Variant Classification Sherloc (09022015). Collection method: clinical testing. Allele origin: germline.